The following is an entry in ClinVar:

ClinVar aggregate classification (germline): Conflicting classifications of pathogenicity. Review status: criteria provided, conflicting classifications (1 of 4 stars). 2 submissions from 2 submitters: Uncertain significance (1); Likely benign (1). Last evaluated 2025-12-03.

Conditions:
ERBIN-related disorder. Also called: ERBIN-related condition.

Allele frequency attached by ClinVar (database versions not stated): gnomAD exomes 0.00002 and 0.00005; ExAC 0.00003; gnomAD 0.00012 and 0.00014; 1000 Genomes Project 30x 0.00016; TOPMed 0.00019; 1000 Genomes Project 0.00020; ESP Exome Variant Server 0.00023.
gnomAD v4.1: 41 of 1,606,376 alleles (0.0026%); highest among the groups gnomAD compares: African/African-American, 0.035%; no homozygotes.

Submissions (2):

Labcorp Genetics (formerly Invitae), Labcorp
Classification: Likely benign. Last evaluated: 2025-12-03. Review status: criteria provided, single submitter. Criteria: Invitae Variant Classification Sherloc (09022015). Collection method: clinical testing. Allele origin: germline.

PreventionGenetics, part of Exact Sciences
Classification: Uncertain significance for ERBIN-related condition. Last evaluated: 2022-12-19. Review status: criteria provided, single submitter. Criteria: ACMG Guidelines, 2015. Collection method: clinical testing. Allele origin: germline.
Comment: The ERBIN c.360G>A variant is not predicted to result in an amino acid change (p.=). This variant may weakly alter splicing based on available splicing prediction programs (Alamut Visual Plus v1.6.1). However, such computer prediction programs are imperfect. To our knowledge, this variant has not been reported in the literature. This variant is reported in 0.028% of alleles in individuals of African descent in gnomAD. While this variant may be benign, at this time, the clinical significance of this variant is uncertain due to the absence of conclusive functional and genetic evidence.

NM_001253697.2(ERBIN):c.360G>A (p.Val120=)

Gene: ERBIN (erbb2 interacting protein; plus strand). Cytogenetic location: 5q12.3.
Variant type: single nucleotide variant.
Coding change: c.360G>A on transcript NM_001253697.2 (MANE Select); coding-DNA position 360, G replaced by A.
Protein change: p.Val120=; no amino-acid change (valine 120 retained).
Molecular consequence: synonymous variant.
Genome position (GRCh38, 1-based): chr5:66,012,101, G>A. VCF-style: chr5-66012101-G-A. GRCh37 (hg19) VCF-style: chr5-65307929-G-A.
Other names: c.360G>A (NM_001006600.2); c.360G>A, p.Val120= (NM_001006600.3, NM_001253698.2, NM_001253699.2 and 2 more transcripts).
Identifiers: ClinVar variation 1472630 (VCV001472630.7), dbSNP rs369427319, ClinGen allele CA3285901.